The following is an entry in ClinVar:

ClinVar aggregate classification (germline): Pathogenic (1 of 4 stars; one submission).

Submission:

GeneDx
Classification: Pathogenic. Last evaluated: 2015-04-28. Review status: criteria provided, single submitter. Criteria: GeneDx Variant Classification (06012015). Collection method: clinical testing. Allele origin: germline. Affected: yes.
Comment: The Y1345X nonsense variant in the PCDH15 gene is predicted to cause loss of normal protein function either through protein truncation or nonsense-mediated mRNA decay. The Y1345X variant was not observed in approximately 6,500 individuals of European and African American ancestry in the NHLBI Exome Sequencing Project, indicating it is not a common benign variant in these populations. Although this variant has not been reported previously to our knowledge, we consider it to be pathogenic.

NM_001384140.1(PCDH15):c.4035T>A (p.Tyr1345Ter)

Gene: PCDH15 (protocadherin related 15; minus strand). Cytogenetic location: 10q21.1.
Variant type: single nucleotide variant.
Coding change: c.4035T>A on transcript NM_001384140.1 (MANE Select); coding-DNA position 4035, T replaced by A.
Protein change: p.Tyr1345Ter; replaces tyrosine 1345 with a stop codon.
Molecular consequence: nonsense.
Genome position (GRCh38, 1-based): chr10:53,831,482, A>T on the plus strand (T>A on the coding strand, the complement: PCDH15 is on the minus strand). VCF-style: chr10-53831482-A-T. GRCh37 (hg19) VCF-style: chr10-55591242-A-T.
Other names: c.4050T>A, p.Tyr1350Ter (NM_001142763.2, NM_001142771.2); c.4035T>A, p.Tyr1345Ter (NM_001142764.2, NM_001142766.2, NM_001142770.3 and 4 more transcripts); c.3822T>A, p.Tyr1274Ter (NM_001142765.2); c.3924T>A, p.Tyr1308Ter (NM_001142767.2); c.3969T>A, p.Tyr1323Ter (NM_001142768.2, NM_001142773.2, NM_001354404.2); c.4071T>A, p.Tyr1357Ter (NM_001142769.4); c.4056T>A, p.Tyr1352Ter (NM_001354411.2); short protein forms Y1345*, Y1274*, Y1357*, Y1308*, Y1323*, Y1350*, Y1352*.
Identifiers: ClinVar variation 379654 (VCV000379654.2), dbSNP rs1057520678, ClinGen allele CA16605875.
Genomic context (GRCh38, chr10:53,831,482, plus strand): 5'-CTTTTTAATGCTGGTCACTGCCTCTGGAGTCCGGATCTCCAGAATGCGTCCTCCTTCCCC[A>T]TAATACGGCTGAAAGTCTTTATTGATATCAAGTAGTTTGCCATCCAAAAATCTTTATTGT-3'